The following is an entry in ClinVar:

NM_000260.4(MYO7A):c.6116C>T (p.Ala2039Val)

Gene: MYO7A (myosin VIIA; plus strand). Cytogenetic location: 11q13.5.
Variant type: single nucleotide variant.
Coding change: c.6116C>T on transcript NM_000260.4 (MANE Select); coding-DNA position 6116, C replaced by T.
Protein change: p.Ala2039Val; replaces alanine 2039 with valine.
Molecular consequence: missense variant.
Genome position (GRCh38, 1-based): chr11:77,211,216, C>T. VCF-style: chr11-77211216-C-T. GRCh37 (hg19) VCF-style: chr11-76922261-C-T.
Other names: c.6002C>T, p.Ala2001Val (NM_001127180.2); c.5969C>T, p.Ala1990Val (NM_001369365.1); short protein forms A1990V, A2001V, A2039V.
Identifiers: ClinVar variation 3624721 (VCV003624721.3).

ClinVar aggregate classification (germline): Uncertain significance. Review status: criteria provided, multiple submitters, no conflicts (2 of 4 stars). 2 submissions from 2 submitters: Uncertain significance (2). Last evaluated 2024-07-01.

gnomAD v4.1: 19 of 1,591,500 alleles (0.0012%); highest among the groups gnomAD compares: African/African-American, 0.0027%; no homozygotes.

Submissions (2):

Labcorp Genetics (formerly Invitae), Labcorp
Classification: Uncertain significance. Last evaluated: 2024-07-01. Review status: criteria provided, single submitter. Criteria: Invitae Variant Classification Sherloc (09022015). Collection method: clinical testing. Allele origin: germline.
Comment: This sequence change replaces alanine, which is neutral and non-polar, with valine, which is neutral and non-polar, at codon 2039 of the MYO7A protein (p.Ala2039Val). The frequency data for this variant in the population databases is considered unreliable, as metrics indicate poor data quality at this position in the gnomAD database. This variant has not been reported in the literature in individuals affected with MYO7A-related conditions. Advanced modeling of protein sequence and biophysical properties (such as structural, functional, and spatial information, amino acid conservation, physicochemical variation, residue mobility, and thermodynamic stability) performed at Invitae indicates that this missense variant is not expected to disrupt MYO7A protein function with a negative predictive value of 95%. In summary, the available evidence is currently insufficient to determine the role of this variant in disease. Therefore, it has been classified as a Variant of Uncertain Significance.

Blueprint Genetics
Classification: Uncertain significance. Last evaluated: 2024-06-07. Review status: criteria provided, single submitter. Criteria: ACMG Guidelines, 2015. Collection method: clinical testing. Allele origin: germline.